The following is an entry in ClinVar:

NM_005529.7(HSPG2):c.8930G>A (p.Arg2977Gln)

Gene: HSPG2 (heparan sulfate proteoglycan 2; minus strand). Cytogenetic location: 1p36.12.
Variant type: single nucleotide variant.
Coding change: c.8930G>A on transcript NM_005529.7 (MANE Select); coding-DNA position 8930, G replaced by A.
Protein change: p.Arg2977Gln; replaces arginine 2977 with glutamine.
Molecular consequence: missense variant.
Genome position (GRCh38, 1-based): chr1:21,842,361, C>T on the plus strand (G>A on the coding strand, the complement: HSPG2 is on the minus strand). VCF-style: chr1-21842361-C-T. GRCh37 (hg19) VCF-style: chr1-22168854-C-T.
Other names: c.8933G>A, p.Arg2978Gln (NM_001291860.2); c.8930G>A (NM_005529.5); short protein forms R2977Q, R2978Q.
Identifiers: ClinVar variation 2069504 (VCV002069504.4), dbSNP rs766609198, ClinGen allele CA338915993.
Genomic context (GRCh38, chr1:21,842,361, plus strand): 5'-GGGCCGCTGGCTGCACGACACACATACTCGCCTGAGTCGGCAGGGGAGACGAGGTGGAGC[C>T]GCAGCTGGGAGCCATGGGTCTGTCAGAGCAGCGAGGGGACAGTTATCAGGGCAAAGTCCC-3'
Protein context (NP_005520.4, residues 2967-2987): ARHQTHGSQL[Arg2977Gln]LHLVSPADSG

ClinVar aggregate classification (germline): Uncertain significance. Review status: criteria provided, multiple submitters, no conflicts (2 of 4 stars). 2 submissions from 2 submitters: Uncertain significance (2). Last evaluated 2025-01-06.

Conditions:
Inborn genetic diseases. Identifiers: MedGen C0950123, MeSH D030342.

Allele frequency attached by ClinVar (database versions not stated): gnomAD exomes below 0.00001; TOPMed below 0.00001.
gnomAD v4.1: 7 of 1,608,962 alleles (0.00044%); highest among the groups gnomAD compares: Admixed American, 0.0017%; no homozygotes.

Submissions (2):

Labcorp Genetics (formerly Invitae), Labcorp
Classification: Uncertain significance. Last evaluated: 2025-01-06. Review status: criteria provided, single submitter. Criteria: Invitae Variant Classification Sherloc (09022015). Collection method: clinical testing. Allele origin: germline.
Comment: This sequence change replaces arginine, which is basic and polar, with glutamine, which is neutral and polar, at codon 2977 of the HSPG2 protein (p.Arg2977Gln). This variant is present in population databases (no rsID available, gnomAD 0.003%). This variant has not been reported in the literature in individuals affected with HSPG2-related conditions. ClinVar contains an entry for this variant (Variation ID: 2069504). An algorithm developed to predict the effect of missense changes on protein structure and function (PolyPhen-2) suggests that this variant is likely to be disruptive. In summary, the available evidence is currently insufficient to determine the role of this variant in disease. Therefore, it has been classified as a Variant of Uncertain Significance.

Ambry Genetics
Classification: Uncertain significance for Inborn genetic diseases. Last evaluated: 2024-03-25. Review status: criteria provided, single submitter. Criteria: Ambry Variant Classification Scheme 2023. Collection method: clinical testing. Allele origin: germline.